The following is an entry in ClinVar:

ClinVar aggregate classification (germline): Uncertain significance (1 of 4 stars; one submission).

Conditions:
Emery-Dreifuss muscular dystrophy 5, autosomal dominant (EDMD5). Also called: EMERY-DREIFUSS MUSCULAR DYSTROPHY 5. Identifiers: Orphanet 261, MedGen C2751805, MONDO:0013072, OMIM 612999.

Allele frequency attached by ClinVar (database versions not stated): gnomAD exomes below 0.00001; ExAC 0.00001; TOPMed 0.00001.
gnomAD v4.1: 1 of 1,613,652 alleles (0.000062%); highest among the groups gnomAD compares: Admixed American, 0.0017%; no homozygotes.

Submission:

Labcorp Genetics (formerly Invitae), Labcorp
Classification: Uncertain significance for Emery-Dreifuss muscular dystrophy 5, autosomal dominant. Last evaluated: 2022-11-08. Review status: criteria provided, single submitter. Criteria: Invitae Variant Classification Sherloc (09022015). Collection method: clinical testing. Allele origin: germline.
Comment: In summary, the available evidence is currently insufficient to determine the role of this variant in disease. Therefore, it has been classified as a Variant of Uncertain Significance. Algorithms developed to predict the effect of missense changes on protein structure and function (SIFT, PolyPhen-2, Align-GVGD) all suggest that this variant is likely to be tolerated. ClinVar contains an entry for this variant (Variation ID: 1416959). This variant has not been reported in the literature in individuals affected with SYNE2-related conditions. This variant is present in population databases (rs770869083, gnomAD 0.003%). This sequence change replaces methionine, which is neutral and non-polar, with threonine, which is neutral and polar, at codon 913 of the SYNE2 protein (p.Met913Thr).

NM_182914.3(SYNE2):c.2738T>C (p.Met913Thr)

Gene: SYNE2 (spectrin repeat containing nuclear envelope protein 2; plus strand). Cytogenetic location: 14q23.2.
Variant type: single nucleotide variant.
Coding change: c.2738T>C on transcript NM_182914.3 (MANE Select); coding-DNA position 2738, T replaced by C.
Protein change: p.Met913Thr; replaces methionine 913 with threonine.
Molecular consequence: missense variant.
Genome position (GRCh38, 1-based): chr14:63,993,926, T>C. VCF-style: chr14-63993926-T-C. GRCh37 (hg19) VCF-style: chr14-64460644-T-C.
Other names: c.2738T>C, p.Met913Thr (NM_015180.6); short protein forms M913T.
Identifiers: ClinVar variation 1416959 (VCV001416959.8), dbSNP rs770869083, ClinGen allele CA7219775.